The following is an entry in ClinVar:

ClinVar aggregate classification (germline): Uncertain significance. Review status: criteria provided, multiple submitters, no conflicts (2 of 4 stars). 4 submissions from 4 submitters: Uncertain significance (3). 1 of the submissions does not count toward it. Last evaluated 2025-10-23.

Conditions:
Cystic fibrosis (CF). Also called: MUCOVISCIDOSIS. Identifiers: Orphanet 586, MedGen C0010674, MONDO:0009061, OMIM 219700. Disease mechanism: loss of function.

Allele frequency attached by ClinVar (database versions not stated): gnomAD exomes 0.00001.
gnomAD v4.1: 8 of 1,531,422 alleles (0.00052%); highest among the groups gnomAD compares: South Asian, 0.0013%; no homozygotes.

Submissions (4):

Labcorp Genetics (formerly Invitae), Labcorp
Classification: Uncertain significance for Cystic fibrosis. Last evaluated: 2025-10-23. Review status: criteria provided, single submitter. Criteria: Invitae Variant Classification Sherloc (09022015). Collection method: clinical testing. Allele origin: germline.
Comment: This sequence change replaces asparagine, which is neutral and polar, with lysine, which is basic and polar, at codon 782 of the CFTR protein (p.Asn782Lys). This variant is not present in population databases (gnomAD no frequency). This missense change has been observed in individual(s) with primary sclerosing cholangitis (PMID: 12127423). ClinVar contains an entry for this variant (Variation ID: 53479). Invitae Evidence Modeling of protein sequence and biophysical properties (such as structural, functional, and spatial information, amino acid conservation, physicochemical variation, residue mobility, and thermodynamic stability) indicates that this missense variant is not expected to disrupt CFTR protein function with a negative predictive value of 80%. In summary, the available evidence is currently insufficient to determine the role of this variant in disease. Therefore, it has been classified as a Variant of Uncertain Significance.

Women's Health and Genetics/Laboratory Corporation of America, LabCorp
Classification: Uncertain significance. Last evaluated: 2023-12-05. Review status: criteria provided, single submitter. Criteria: LabCorp Variant Classification Summary - May 2015. Collection method: clinical testing. Allele origin: germline.
Comment: Variant summary: CFTR c.2346C>A (p.Asn782Lys) results in a non-conservative amino acid change located in the CFTR regulator domain (IPR025837) of the encoded protein sequence. Four of five in-silico tools predict a benign effect of the variant on protein function. The variant was absent in 184680 control chromosomes (gnomAD). The available data on variant occurrences in the general population are insufficient to allow any conclusion about variant significance. c.2346C>A has been reported in the literature as a non-informative genotype (second allele not specified) in at-least one individual affected with Primary Sclerosing Cholangitis (PSC) (example, Giordon_2002, cited in Gallegos-Orozco_2005). These report(s) do not provide unequivocal conclusions about association of the variant with Cystic Fibrosis. The following publications have been ascertained in the context of this evaluation (PMID: 15784035, 12127423). One submitter has cited clinical-significance assessments for this variant to ClinVar after 2014 and has classified the variant as uncertain significance. Based on the evidence outlined above, the variant was classified as uncertain significance.

Mayo Clinic Laboratories, Mayo Clinic
Classification: Uncertain significance. Last evaluated: 2021-04-27. Review status: criteria provided, single submitter. Criteria: ACMG Guidelines, 2015. Collection method: clinical testing. Allele origin: germline.

ClinVar Staff, National Center for Biotechnology Information (NCBI)
No classification provided. Condition: CFTR-related disorders. Review status: no classification provided. Collection method: literature only. Allele origin: germline. Affected: yes. Not counted in ClinVar's aggregate classification.

Literature cited by the submitters: PubMed 12127423 (cited by 3 submitters); PubMed 15784035 (cited by Women's Health and Genetics/Laboratory Corporation of America, LabCorp).

NM_000492.4(CFTR):c.2346C>A (p.Asn782Lys)

Gene: CFTR (CF transmembrane conductance regulator; plus strand). Cytogenetic location: 7q31.2.
Variant type: single nucleotide variant.
Coding change: c.2346C>A on transcript NM_000492.4 (MANE Select); coding-DNA position 2346, C replaced by A.
Protein change: p.Asn782Lys; replaces asparagine 782 with lysine.
Molecular consequence: missense variant.
Genome position (GRCh38, 1-based): chr7:117,592,513, C>A. VCF-style: chr7-117592513-C-A. GRCh37 (hg19) VCF-style: chr7-117232567-C-A.
Other names: p.Asn782Lys; short protein forms N782K.
Identifiers: ClinVar variation 53479 (VCV000053479.8), dbSNP rs397508369, ClinGen allele CA326798.